The following is an entry in ClinVar:

NM_032040.5(CCDC8):c.739del (p.Asp247fs)

Gene: CCDC8 (coiled-coil domain containing 8 subunit of 3M complex; minus strand). Cytogenetic location: 19q13.32.
Variant type: Deletion.
Coding change: c.739del on transcript NM_032040.5 (MANE Select); coding-DNA position 739, one base deleted (G; older notation c.739delG).
Protein change: p.Asp247fs; shifts the reading frame from aspartic acid 247.
Molecular consequence: frameshift variant.
Genome position (GRCh38, 1-based): chr19:46,412,072, C deleted on the plus strand (G on the coding strand, the reverse complement: CCDC8 is on the minus strand); the first of 5 consecutive C bases (chr19:46,412,072-46,412,076); deleting any one gives the same sequence. VCF-style (leftmost placement, unchanged base first): chr19-46412071-TC-T. GRCh37 (hg19) VCF-style: chr19-46915328-TC-T.
Other names: short protein forms D247fs.
Identifiers: ClinVar variation 4856171 (VCV004856171.1).
Genomic context (GRCh38, chr19:46,412,071, plus strand): 5'-GGCCTCCATCGCCTAGGGGAAGCCTGGGGCACACAAACATCTCCCGCGTTTCCCAAGCGA[TC>T]CCCCGGGCTGGTGCCCTCTGGCGCCGATGATACCCCTGCGCTCTCCACTGCGGTGGAGGC-3'

ClinVar aggregate classification (germline): Likely pathogenic (1 of 4 stars; one submission).

Conditions:
3M syndrome 3. Also called: THREE M SYNDROME 3; 3-M Syndrome, CCDC8-Related. Identifiers: Orphanet 2616, MedGen C3280146, MONDO:0013627, OMIM 614205.

Submission:

3billion
Classification: Likely pathogenic for 3M syndrome 3. Last evaluated: 2025-11-18. Review status: criteria provided, single submitter. Criteria: ACMG Guidelines, 2015. Collection method: clinical testing. Allele origin: germline. Affected: yes.
Comment: The variant is not observed in the gnomAD v4.1.0 dataset. Predicted Consequence/Location: Frameshift: predicted to result in a loss or disruption of normal protein function through protein truncation. The predicted truncated protein may be shortened by more than 10%. Therefore, this variant is classified as Likely pathogenic according to the recommendation of ACMG/AMP guideline.